The following is an entry in ClinVar:

ClinVar aggregate classification (germline): Pathogenic (0 of 4 stars; one submission).

Conditions:
Angelman syndrome (AS). Also called: HAPPY PUPPET SYNDROME. Identifiers: Orphanet 72, MedGen C0162635, MONDO:0007113, OMIM 105830. Disease mechanism: loss of function. Inheritance: AS is caused by disruption of maternally imprinted UBE3A located within the 15q11.2-q13 Angelman syndrome/Prader-Willi syndrome (AS/PWS) region., imprinting disorder.

Submission:

Baylor Genetics
Classification: Pathogenic for Angelman Syndrome. Last evaluated: 2014-02-14. Review status: no assertion criteria provided. Collection method: clinical testing. Allele origin: germline. Affected: yes. Observed: 1 variant allele. Study: UBE3A Mutation Study.
Comment: Data collected from clinical UBE3A sequence analysis results

Literature cited by the submitters: PubMed 25212744.

NM_130839.5(UBE3A):c.2404_2405del (p.Phe802fs)

Genes: SNHG14 (small nucleolar RNA host gene 14; plus strand), UBE3A (ubiquitin protein ligase E3A; minus strand). Cytogenetic location: 15q11.2.
Variant type: Deletion.
Coding change: c.2404_2405del on transcript NM_130839.5 (MANE Select); coding-DNA positions 2404 to 2405, 2 bases deleted (TT; older notation c.2404_2405delTT).
Protein change: p.Phe802fs; shifts the reading frame from phenylalanine 802.
Molecular consequence: frameshift variant. On other transcripts: non-coding transcript variant (1).
Genome position (GRCh38, 1-based): chr15:25,340,178-25,340,179, AA deleted on the plus strand (TT on the coding strand, the reverse complement: UBE3A is on the minus strand). VCF-style (leftmost placement, unchanged base first): chr15-25340177-GAA-G. GRCh37 (hg19) VCF-style: chr15-25585324-GAA-G.
Other names: c.2413_2414del, p.Phe805fs (NM_000462.5); c.2404_2405del, p.Phe802fs (NM_001354505.1, NM_001354538.2); c.2344_2345del, p.Phe782fs (NM_001354506.2, NM_001354507.2, NM_001354508.2 and 14 more transcripts); c.2248_2249del, p.Phe750fs (NM_001354545.2); c.2227_2228del, p.Phe743fs (NM_001354546.2); c.2188_2189del, p.Phe730fs (NM_001354547.2, NM_001354548.2); c.2179_2180del, p.Phe727fs (NM_001354549.2); c.1153_1154del, p.Phe385fs (NM_001354550.2); and 1 more; short protein forms F730fs, F750fs, F805fs, F385fs, F727fs, F743fs, F365fs, F782fs.
Identifiers: ClinVar variation 155975 (VCV000155975.1), dbSNP rs587781224, ClinGen allele CA333352.